The following is an entry in ClinVar:

NM_139276.3(STAT3):c.2169C>G (p.Asp723Glu)

Gene: STAT3 (signal transducer and activator of transcription 3; minus strand). Cytogenetic location: 17q21.2.
Variant type: single nucleotide variant.
Coding change: c.2169C>G on transcript NM_139276.3 (MANE Select); coding-DNA position 2169, C replaced by G.
Protein change: p.Asp723Glu; replaces aspartic acid 723 with glutamic acid.
Molecular consequence: missense variant. On other transcripts: intron variant (8).
Genome position (GRCh38, 1-based): chr17:42,316,877, G>C on the plus strand (C>G on the coding strand, the complement: STAT3 is on the minus strand). VCF-style: chr17-42316877-G-C. GRCh37 (hg19) VCF-style: chr17-40468895-G-C.
Other names: c.2070C>G, p.Asp690Glu (NM_001384989.1); c.2142C>G, p.Asp714Glu (NM_001384991.1); c.2109C>G, p.Asp703Glu (NM_001384992.1); c.2157C>G, p.Asp719Glu (NM_001384993.1); c.2166C>G, p.Asp722Glu (NM_003150.4, NM_001369514.1, NM_001369516.1); c.2142-26C>G (NM_001369519.1, NM_001369520.1); c.2145-26C>G (NM_001369517.1, NM_001369518.1, NM_213662.2); c.2099-26C>G (NM_001384988.1); and 6 more; short protein forms D703E, D714E, D690E, D716E, D723E, D695E, D719E, D722E.
Identifiers: ClinVar variation 4792707 (VCV004792707.1).

ClinVar aggregate classification (germline): Uncertain significance (1 of 4 stars; one submission).

Conditions:
Hyper-IgE recurrent infection syndrome 1, autosomal dominant. Also called: JOB SYNDROME; Job's Syndrome; STAT3 Hyper IgE Syndrome; HYPER-IgE SYNDROME 1, AUTOSOMAL DOMINANT, WITH RECURRENT INFECTIONS; Hyper-IgE recurrent infection syndrome 1. Identifiers: Orphanet 2314, MedGen C2936739, MONDO:0007818, OMIM 147060.
STAT3 gain of function. Identifiers: MedGen C4288261.

gnomAD v4.1: 12 of 1,612,734 alleles (0.00074%); highest among the groups gnomAD compares: South Asian, 0.0011%; no homozygotes.

Submission:

Labcorp Genetics (formerly Invitae), Labcorp
Classification: Uncertain significance for STAT3 gain of function; Hyper-IgE recurrent infection syndrome 1, autosomal dominant. Last evaluated: 2025-02-25. Review status: criteria provided, single submitter. Criteria: Invitae Variant Classification Sherloc (09022015). Collection method: clinical testing. Allele origin: germline.
Comment: This sequence change replaces aspartic acid, which is acidic and polar, with glutamic acid, which is acidic and polar, at codon 723 of the STAT3 protein (p.Asp723Glu). This variant is present in population databases (rs775171412, gnomAD 0.006%). This variant has not been reported in the literature in individuals affected with STAT3-related conditions. Invitae Evidence Modeling of protein sequence and biophysical properties (such as structural, functional, and spatial information, amino acid conservation, physicochemical variation, residue mobility, and thermodynamic stability) indicates that this missense variant is not expected to disrupt STAT3 protein function with a negative predictive value of 80%. In summary, the available evidence is currently insufficient to determine the role of this variant in disease. Therefore, it has been classified as a Variant of Uncertain Significance.